The following is an entry in ClinVar:

ClinVar aggregate classification (germline): Likely benign (1 of 4 stars; one submission).

gnomAD v4.1: 92 of 1,550,620 alleles (0.0059%); highest among the groups gnomAD compares: Middle Eastern, 0.017%; no homozygotes.

Submission:

CeGaT Center for Human Genetics Tuebingen
Classification: Likely benign. Last evaluated: 2026-06-01. Review status: criteria provided, single submitter. Criteria: CeGaT Center For Human Genetics Tuebingen Variant Classification Criteria Version 2. Collection method: clinical testing. Allele origin: germline. Affected: yes. Observed: 1 variant allele.
Comment: SETD1B: BS1

NM_001353345.2(SETD1B):c.30C>A (p.His10Gln)

Gene: SETD1B (SET domain containing 1B, histone lysine methyltransferase; plus strand). Cytogenetic location: 12q24.31.
Variant type: single nucleotide variant.
Coding change: c.30C>A on transcript NM_001353345.2 (MANE Select); coding-DNA position 30, C replaced by A.
Protein change: p.His10Gln; replaces histidine 10 with glutamine.
Molecular consequence: missense variant.
Genome position (GRCh38, 1-based): chr12:121,804,767, C>A. VCF-style: chr12-121804767-C-A. GRCh37 (hg19) VCF-style: chr12-122242673-C-A.
Other names: short protein forms H10Q.
Identifiers: ClinVar variation 4871956 (VCV004871956.2).
Genomic context (GRCh38, chr12:121,804,767, plus strand): 5'-AACTTGCTGGTTTTCAGGTTGGGTTAACGGCATGGAGAACAGTCACCCCCCCCACCACCA[C>A]CACCAGCAGCCCCCGCCGCAGCCCGGCCCTTCGGGCGAGAGGAGGAACCACCATTGGAGA-3'
Protein context (NP_001340274.1, residues 1-20): MENSHPPHH[His10Gln]HQQPPPQPGP